The following is an entry in ClinVar:

NM_004281.4(BAG3):c.235G>C (p.Ala79Pro)

Gene: BAG3 (BAG cochaperone 3; plus strand). Cytogenetic location: 10q26.11.
Variant type: single nucleotide variant.
Coding change: c.235G>C on transcript NM_004281.4 (MANE Select); coding-DNA position 235, G replaced by C.
Protein change: p.Ala79Pro; replaces alanine 79 with proline.
Molecular consequence: missense variant.
Genome position (GRCh38, 1-based): chr10:119,669,905, G>C. VCF-style: chr10-119669905-G-C. GRCh37 (hg19) VCF-style: chr10-121429417-G-C.
Other names: short protein forms A79P.
Identifiers: ClinVar variation 4782555 (VCV004782555.1).
Genomic context (GRCh38, chr10:119,669,905, plus strand): 5'-TTTCAGGAGACTCCATCCTCTGCCAATGGCCCTTCCCGGGAGGGCTCTAGGCTGCCGCCT[G>C]CTAGGGAAGGCCACCCTGTGTACCCCCAGCTCCGACCAGGCTACATTCCCATTCCTGTGC-3'
Protein context (NP_004272.2, residues 69-89): PSREGSRLPP[Ala79Pro]REGHPVYPQL

ClinVar aggregate classification (germline): Uncertain significance (1 of 4 stars; one submission).

Conditions:
Dilated cardiomyopathy 1HH (CMD1HH). Identifiers: Orphanet 154, MedGen C3151293, MONDO:0013479, OMIM 613881.
Myofibrillar myopathy 6. Identifiers: Orphanet 199340, MedGen C2751831, MONDO:0013061, OMIM 612954.

Submission:

Labcorp Genetics (formerly Invitae), Labcorp
Classification: Uncertain significance for Dilated cardiomyopathy 1HH; Myofibrillar myopathy 6. Last evaluated: 2025-05-22. Review status: criteria provided, single submitter. Criteria: Invitae Variant Classification Sherloc (09022015). Collection method: clinical testing. Allele origin: germline.
Comment: This sequence change replaces alanine, which is neutral and non-polar, with proline, which is neutral and non-polar, at codon 79 of the BAG3 protein (p.Ala79Pro). This variant is not present in population databases (gnomAD no frequency). This variant has not been reported in the literature in individuals affected with BAG3-related conditions. Invitae Evidence Modeling of protein sequence and biophysical properties (such as structural, functional, and spatial information, amino acid conservation, physicochemical variation, residue mobility, and thermodynamic stability) indicates that this missense variant is not expected to disrupt BAG3 protein function with a negative predictive value of 80%. In summary, the available evidence is currently insufficient to determine the role of this variant in disease. Therefore, it has been classified as a Variant of Uncertain Significance.